The following is an entry in ClinVar:

GRCh37/hg19 17q25.3(chr17:80544251-81152210)x1

Genes: B3GNTL1 (UDP-GlcNAc:betaGal beta-1,3-N-acetylglucosaminyltransferase like 1), FN3K (fructosamine 3 kinase; plus strand), FN3KRP (fructosamine 3 kinase related protein; plus strand), FOXK2 (forkhead box K2; plus strand), METRNL (meteorin like, glial cell differentiation regulator) and 4 more. Cytogenetic location: 17q25.3.
Variant type: copy number loss.
Change: copy number 1 (one copy instead of two) of chr17:80,544,251-81,152,210 (608.0 kb, GRCh37 coordinates, 1-based), cytogenetic band 17q25.3.
Identifiers: ClinVar variation 988934 (VCV000988934.4).

ClinVar aggregate classification (germline): Uncertain significance (1 of 4 stars; one submission).

Submission:

Illumina Laboratory Services, Illumina
Classification: Uncertain significance. Last evaluated: 2020-11-18. Review status: criteria provided, single submitter. Criteria: ICSL CNVClassificationCriteria Aug2020. Collection method: clinical testing. Allele origin: unknown.
Comment: This CNV is a 608 kb deletion of 17q25.3 on chromosome 17, (seq[GRCh37]del(17)(q25.3); chr17:g.80544251-81152210del), found in a de novo state. The CNV constitutes a loss encompassing 9 protein coding genes: B3GNTL1, FN3K, FN3KRP, FOXK2, METRNL, RAB40B, TBCD, WDR45B, and ZNF750. In a case series of patients with cardiovascular malformations (CVM) with additional phenotypes, Probst et al. (2015) described four individuals with de novo deletions at 17q25.3 ranging in size from 0.08-1.2 Mb and concluded that copy number changes at 17q25.3 are approximately 60% penetrant for CVM. Non-CVM phenotypes were variable and included developmental and speech delays, early feeding difficulties, GERD, cleft lip/palate, tracheoesophageal fistula, strabismus, conductive hearing loss, laryngomalacia, undescended testis with mild glandular hypospadias, mild contractures, variable dysmorphic features and variable brain anomalies. There are several individuals with deletions in this region in the DECIPHER database. Inheritance of the CNV in these individuals was variable, including de novo, inherited from a parent and unknown inheritance. Phenotypes were provided for two individuals and included intellectual disability, small size for gestational age, microcephaly, delayed speech and language development, limb pain, and abnormal facial features (Firth et al. 2009). There are also several patients and one control individual in a developmental delay case-control cohort with similar deletions (Coe et al. 2014). Based on the collective evidence, this CNV is classified as a variant of uncertain significance.

Literature cited by the submitters: PubMed 19344873; PubMed 25217958; PubMed 26070612.